The following is an entry in ClinVar:

NM_002224.4(ITPR3):c.5903A>T (p.Asp1968Val)

Gene: ITPR3 (inositol 1,4,5-trisphosphate receptor type 3; plus strand). Cytogenetic location: 6p21.31.
Variant type: single nucleotide variant.
Coding change: c.5903A>T on transcript NM_002224.4 (MANE Select); coding-DNA position 5903, A replaced by T.
Protein change: p.Asp1968Val; replaces aspartic acid 1968 with valine.
Molecular consequence: missense variant.
Genome position (GRCh38, 1-based): chr6:33,686,443, A>T. VCF-style: chr6-33686443-A-T. GRCh37 (hg19) VCF-style: chr6-33654220-A-T.
Other names: short protein forms D1968V.
Identifiers: ClinVar variation 3360604 (VCV003360604.2).

ClinVar aggregate classification (germline): Uncertain significance. Review status: criteria provided, multiple submitters, no conflicts (2 of 4 stars). 2 submissions from 2 submitters: Uncertain significance (2). Last evaluated 2024-02-06.

Conditions:
Diabetes mellitus type 1 (T1D). Also called: Type I diabetes mellitus; Diabetes Mellitus, Juvenile-Onset. Identifiers: MedGen C0011854, MONDO:0005147, OMIM 222100, HP:0100651.
Charcot-Marie-Tooth disease, demyelinating, type 1J. Also called: CHARCOT-MARIE-TOOTH NEUROPATHY, DEMYELINATING, TYPE 1J. Identifiers: MedGen C5774249, MONDO:0859311, OMIM 620111.

Submissions (2):

Fulgent Genetics
Classification: Uncertain significance for Diabetes mellitus type 1; Charcot-Marie-Tooth disease, demyelinating, type 1J. Last evaluated: 2024-02-06. Review status: criteria provided, single submitter. Criteria: ACMG Guidelines, 2015. Collection method: clinical testing. Allele origin: germline.

GeneDx
Classification: Uncertain significance. Last evaluated: 2023-06-28. Review status: criteria provided, single submitter. Criteria: GeneDx Variant Classification Process June 2021. Collection method: clinical testing. Allele origin: germline. Affected: yes.
Comment: Not observed at significant frequency in large population cohorts (gnomAD); In silico analysis supports that this missense variant has a deleterious effect on protein structure/function; Has not been previously published as pathogenic or benign to our knowledge